The following is an entry in ClinVar:

ClinVar aggregate classification (germline): Uncertain significance. Review status: criteria provided, multiple submitters, no conflicts (2 of 4 stars). 11 submissions from 11 submitters: Uncertain significance (10). 1 of the submissions does not count toward it. Last evaluated 2026-08-26.

Conditions:
MYBPC3-related disorder. Also called: MYBPC3-related disorders; MYBPC3-related condition; MYBPC3-related disease.
Cardiovascular phenotype. Identifiers: MedGen CN230736.
Cardiomyopathy (CMYO). Also called: Cardiomyopathies. Identifiers: Orphanet 167848, MedGen C0878544, MONDO:0004994, HP:0001638. Inheritance: Various modes of inheritance.
Primary familial hypertrophic cardiomyopathy (HCM). Identifiers: Orphanet 99739, MedGen C0949658, MeSH D024741, MONDO:0024573. Inheritance: Various modes of inheritance.
Hypertrophic cardiomyopathy. Also called: HYPERTROPHIC MYOCARDIOPATHY. Identifiers: Orphanet 217569, MedGen C0007194, MeSH D002312, MONDO:0005045, HP:0001639.

Allele frequency attached by ClinVar (database versions not stated): ESP Exome Variant Server 0.00008; gnomAD exomes 0.00008 and 0.00014; ExAC 0.00009; gnomAD 0.00007; TOPMed 0.00007.
gnomAD v4.1: 236 of 1,610,406 alleles (0.015%); highest among the groups gnomAD compares: Middle Eastern, 0.016%; no homozygotes.

Submissions (11):

PreventionGenetics, part of Exact Sciences
Classification: Uncertain significance for MYBPC3-related condition. Last evaluated: 2026-08-26. Review status: criteria provided, single submitter. Criteria: ACMG Guidelines, 2015. Collection method: clinical testing. Allele origin: germline.
Comment: The MYBPC3 c.3049G>A variant is predicted to result in the amino acid substitution p.Glu1017Lys. This variant has been reported in multiple individuals with hypertrophic cardiomyopathy (Table S1, Lopes et al. 2015. PubMed ID: 25351510; Table S1B, Walsh et al. 2017. PubMed ID: 27532257; Supplementary table 2, Mademont-Soler et al. 2017. PubMed ID: 28771489; Table S21, Harper et al. 2021. PubMed ID: 33495597) and at least one individual with dilated cardiomyopathy (Mazzarotto et al. 2020. PubMed ID: 31983221). This variant is reported in 0.014% of alleles in individuals of European (non-Finnish) descent in gnomAD. At this time, the clinical significance of this variant is uncertain due to the absence of conclusive functional and genetic evidence.

Labcorp Genetics (formerly Invitae), Labcorp
Classification: Uncertain significance for Hypertrophic cardiomyopathy. Last evaluated: 2026-01-20. Review status: criteria provided, single submitter. Criteria: Invitae Variant Classification Sherloc (09022015). Collection method: clinical testing. Allele origin: germline.
Comment: This sequence change replaces glutamic acid, which is acidic and polar, with lysine, which is basic and polar, at codon 1017 of the MYBPC3 protein (p.Glu1017Lys). This variant is present in population databases (rs368180702, gnomAD 0.01%). This missense change has been observed in individual(s) with hypertrophic cardiomyopathy or dilated cardiomyopathy (PMID: 21415409, 25351510, 28771489, 31983221). ClinVar contains an entry for this variant (Variation ID: 42679). An algorithm developed to predict the effect of missense changes on protein structure and function (PolyPhen-2) suggests that this variant is likely to be tolerated. In summary, the available evidence is currently insufficient to determine the role of this variant in disease. Therefore, it has been classified as a Variant of Uncertain Significance.

Mayo Clinic Laboratories, Mayo Clinic
Classification: Uncertain significance. Last evaluated: 2025-10-03. Review status: criteria provided, single submitter. Criteria: ACMG Guidelines, 2015. Collection method: clinical testing. Allele origin: germline. Observed: 1 variant allele.
Comment: BP4

Ambry Genetics
Classification: Uncertain significance for Cardiovascular phenotype. Last evaluated: 2025-08-25. Review status: criteria provided, single submitter. Criteria: Ambry Variant Classification Scheme 2023. Collection method: clinical testing. Allele origin: germline.

Color Diagnostics, LLC DBA Color Health
Classification: Uncertain significance for Cardiomyopathy. Last evaluated: 2025-01-06. Review status: criteria provided, single submitter. Criteria: ACMG Guidelines, 2015. Collection method: clinical testing. Allele origin: germline.
Comment: This missense variant replaces glutamic acid with lysine at codon 1017 of the MYBPC3 protein. Computational prediction suggests that this variant may not impact protein structure and function. To our knowledge, functional studies have not been reported for this variant. This variant has been reported in individuals affected with hypertrophic cardiomyopathy (PMID: 25351510, 27532257, 28771489, 33495597). This variant has also been identified in 22/277518 chromosomes in the general population by the Genome Aggregation Database (gnomAD). The available evidence is insufficient to determine the role of this variant in disease conclusively. Therefore, this variant is classified as a Variant of Uncertain Significance.

All of Us Research Program, National Institutes of Health
Classification: Uncertain significance for Hypertrophic cardiomyopathy. Last evaluated: 2024-09-23. Review status: criteria provided, single submitter. Criteria: ACMG Guidelines, 2015. Collection method: clinical testing. Allele origin: germline. Inheritance: Autosomal dominant inheritance. Observed: 37 variant alleles, 37 heterozygotes.
Comment: This missense variant replaces glutamic acid with lysine at codon 1017 of the MYBPC3 protein. Computational prediction suggests that this variant may not impact protein structure and function (internally defined REVEL score threshold <= 0.5, PMID: 27666373). To our knowledge, functional studies have not been reported for this variant. This variant has been reported in individuals affected with hypertrophic cardiomyopathy (PMID: 25351510, 27532257, 28771489, 33495597). This variant has also been identified in 22/277518 chromosomes in the general population by the Genome Aggregation Database (gnomAD). The available evidence is insufficient to determine the role of this variant in disease conclusively. Therefore, this variant is classified as a Variant of Uncertain Significance.

This study involves interpretation of variants in research participants for the purpose of population health screening. Participant phenotype was not available at the time of variant classification. Additional details can be found in publication PMID: 35346344, PMCID: PMC8962531

GeneDx
Classification: Uncertain significance. Last evaluated: 2024-06-04. Review status: criteria provided, single submitter. Criteria: GeneDx Variant Classification Process June 2021. Collection method: clinical testing. Allele origin: germline. Affected: yes.
Comment: Reported in multiple individuals in association with cardiomyopathy (PMID: 21415409, 25351510, 28771489, 31983221, 27532257); In silico analysis indicates that this missense variant does not alter protein structure/function; This variant is associated with the following publications: (PMID: 23299917, 25637381, 27532257, 28771489, 25351510, 28518168, 28679633, 31983221, 21415409)

CHEO Genetics Diagnostic Laboratory, Children's Hospital of Eastern Ontario
Classification: Uncertain significance for Cardiomyopathy. Last evaluated: 2022-06-02. Review status: criteria provided, single submitter. Criteria: ACMG Guidelines, 2015. Collection method: clinical testing. Allele origin: germline.

Revvity Omics, Revvity
Classification: Uncertain significance. Last evaluated: 2021-11-04. Review status: criteria provided, single submitter. Criteria: ACMG Guidelines, 2015. Collection method: clinical testing. Allele origin: germline.

Laboratory for Molecular Medicine, Mass General Brigham Personalized Medicine
Classification: Uncertain significance. Last evaluated: 2010-12-13. Review status: criteria provided, single submitter. Criteria: LMM Criteria. Collection method: clinical testing. Allele origin: germline. Observed: 2 variant alleles.
Comment: Variant classified as Uncertain Significance - Favor Benign. The Glu1017Lys vari ant has been reported in one HCM patient (CardioGenomics Website). Glutamic aci d (Glu) at position 1017 is not highly conserved in evolution (chicken, frog and zebrafish naturally carry a lysine), reducing the likelihood that the change is pathogenic. Furthermore, this variant was predicted to be benign using a novel computational tool (a customized sarcomere-specific PolyPhen tool, which was va lidated using a set of cardiomyopathy variants with well-established clinical si gnificance). This tool's benign prediction is estimated to be correct 89% of the time, which suggests but does not prove that this variant is benign. Although w e cannot be certain at this time, it is likely that this variant is benign.

CSER _CC_NCGL, University of Washington
Classification: Uncertain significance for Cardiomyopathy, hypertrophic. Last evaluated: 2014-06-01. Review status: no assertion criteria provided. Collection method: research. Allele origin: germline. Inheritance: Autosomal dominant inheritance. Study: ESP 6500 variant annotation. Not counted in ClinVar's aggregate classification.
Comment: Variants classified for the Actionable exomic incidental findings in 6503 participants: challenges of variant classification manuscript

Literature cited by the submitters: PubMed 21415409 (cited by Labcorp Genetics (formerly Invitae), Labcorp and Mayo Clinic Laboratories, Mayo Clinic); PubMed 25351510 (cited by 4 submitters); PubMed 28771489 (cited by 4 submitters); PubMed 31983221 (cited by Labcorp Genetics (formerly Invitae), Labcorp and Mayo Clinic Laboratories, Mayo Clinic); PubMed 27532257 (cited by 3 submitters); PubMed 37652022 (cited by Mayo Clinic Laboratories, Mayo Clinic); PubMed 33495597 (cited by Color Diagnostics, LLC DBA Color Health and All of Us Research Program, National Institutes of Health).

NM_000256.3(MYBPC3):c.3049G>A (p.Glu1017Lys)

Gene: MYBPC3 (myosin binding protein C3; minus strand). Cytogenetic location: 11p11.2.
Variant type: single nucleotide variant.
Coding change: c.3049G>A on transcript NM_000256.3 (MANE Select); coding-DNA position 3049, G replaced by A.
Protein change: p.Glu1017Lys; replaces glutamic acid 1017 with lysine.
Molecular consequence: missense variant.
Genome position (GRCh38, 1-based): chr11:47,333,698, C>T on the plus strand (G>A on the coding strand, the complement: MYBPC3 is on the minus strand). VCF-style: chr11-47333698-C-T. GRCh37 (hg19) VCF-style: chr11-47355249-C-T.
Other names: p.E1017K:GAG>AAG; short protein forms E1017K.
Identifiers: ClinVar variation 42679 (VCV000042679.35), dbSNP rs368180702, ClinGen allele CA013374.
Genomic context (GRCh38, chr11:47,333,698, plus strand): 5'-GGCGAGCGGCCCGGATGAACAGGATGGTGTCTGTGGGGCTGTTGCGGATGCTCACCTCCT[C>T]GCCTGCCAGGGGCTGCCCCTCTTTGGTCCAGGTCACCTGAGGCCGGGGCTTGCCCTGAGG-3'
Protein context (NP_000247.2, residues 1007-1027): WTKEGQPLAG[Glu1017Lys]EVSIRNSPTD